The following is an entry in ClinVar:

ClinVar aggregate classification (germline): Uncertain significance (1 of 4 stars; one submission).

Conditions:
Inborn genetic diseases. Identifiers: MedGen C0950123, MeSH D030342.

Allele frequency attached by ClinVar (database versions not stated): gnomAD exomes below 0.00001; gnomAD 0.00001; TOPMed 0.00001; ESP Exome Variant Server 0.00009.
gnomAD v4.1: 3 of 1,200,184 alleles (0.00025%); highest among the groups gnomAD compares: African/African-American, 0.0053%; no homozygotes.

Submission:

Ambry Genetics
Classification: Uncertain significance for Inborn genetic diseases. Last evaluated: 2019-10-15. Review status: criteria provided, single submitter. Criteria: Ambry Variant Classification Scheme 2023. Collection method: clinical testing. Allele origin: germline.
Comment: The p.I212V variant (also known as c.634A>G), located in coding exon 6 of the HUWE1 gene, results from an A to G substitution at nucleotide position 634. The isoleucine at codon 212 is replaced by valine, an amino acid with highly similar properties. This amino acid position is not well conserved in available vertebrate species. In addition, this alteration is predicted to be tolerated by in silico analysis. Since supporting evidence is limited at this time, the clinical significance of this alteration remains unclear.

NM_031407.7(HUWE1):c.634A>G (p.Ile212Val)

Gene: HUWE1 (HECT, UBA and WWE domain containing E3 ubiquitin protein ligase 1; minus strand). Cytogenetic location: Xp11.22.
Variant type: single nucleotide variant.
Coding change: c.634A>G on transcript NM_031407.7 (MANE Select); coding-DNA position 634, A replaced by G.
Protein change: p.Ile212Val; replaces isoleucine 212 with valine.
Molecular consequence: missense variant.
Genome position (GRCh38, 1-based): chrX:53,632,498, T>C on the plus strand (A>G on the coding strand, the complement: HUWE1 is on the minus strand). VCF-style: chrX-53632498-T-C. GRCh37 (hg19) VCF-style: chrX-53659450-T-C.
Other names: short protein forms I212V.
Identifiers: ClinVar variation 1752987 (VCV001752987.2), dbSNP rs141967389, ClinGen allele CA329193221.